The following is an entry in ClinVar:

ClinVar aggregate classification (germline): Likely benign. Review status: criteria provided, multiple submitters, no conflicts (2 of 4 stars). 4 submissions from 4 submitters: Likely benign (4). Last evaluated 2025-11-28.

Conditions:
Early-infantile DEE. Also called: Ohtahara syndrome; Early infantile epileptic encephalopathy with suppression bursts; Early infantile epileptic encephalopathy. Identifiers: Orphanet 1934, MedGen C0393706, MONDO:0800491.
SCN1A-related disorder. Also called: SCN1A-related conditions; SCN1A-related condition; SCN1A-related disorders.

Allele frequency attached by ClinVar (database versions not stated): gnomAD exomes below 0.00001; TOPMed 0.00003; gnomAD 0.00004.
gnomAD v4.1: 8 of 1,608,412 alleles (0.0005%); highest among the groups gnomAD compares: African/African-American, 0.0013%; no homozygotes.

Submissions (4):

Labcorp Genetics (formerly Invitae), Labcorp
Classification: Likely benign for Early-infantile DEE. Last evaluated: 2025-11-28. Review status: criteria provided, single submitter. Criteria: Invitae Variant Classification Sherloc (09022015). Collection method: clinical testing. Allele origin: germline.

PreventionGenetics, part of Exact Sciences
Classification: Likely benign for SCN1A-related condition. Last evaluated: 2024-12-11. Review status: criteria provided, single submitter. Criteria: ACMG Guidelines, 2015. Collection method: clinical testing. Allele origin: germline.
Comment: This variant is classified as likely benign based on ACMG/AMP sequence variant interpretation guidelines (Richards et al. 2015 PMID: 25741868, with internal and published modifications).

GeneDx
Classification: Likely benign. Last evaluated: 2020-05-05. Review status: criteria provided, single submitter. Criteria: GeneDx Variant Classification Process June 2021. Collection method: clinical testing. Allele origin: germline. Affected: yes.

CeGaT Center for Human Genetics Tuebingen
Classification: Likely benign. Last evaluated: 2017-11-01. Review status: criteria provided, single submitter. Criteria: CeGaT Center For Human Genetics Tuebingen Variant Classification Criteria Version 2. Collection method: clinical testing. Allele origin: germline. Affected: yes. Observed: 1 variant allele.

NM_001165963.4(SCN1A):c.429G>A (p.Val143=)

Gene: SCN1A (sodium voltage-gated channel alpha subunit 1; minus strand). Cytogenetic location: 2q24.3.
Variant type: single nucleotide variant.
Coding change: c.429G>A on transcript NM_001165963.4 (MANE Select); coding-DNA position 429, G replaced by A.
Protein change: p.Val143=; no amino-acid change (valine 143 retained).
Molecular consequence: synonymous variant. On other transcripts: 5 prime UTR variant (1), non-coding transcript variant (1).
Genome position (GRCh38, 1-based): chr2:166,056,455, C>T on the plus strand (G>A on the coding strand, the complement: SCN1A is on the minus strand). VCF-style: chr2-166056455-C-T. GRCh37 (hg19) VCF-style: chr2-166912965-C-T.
Other names: c.429G>A, p.Val143= (NM_001165964.3, NM_001202435.3, NM_001353948.2 and 10 more transcripts); c.-1997G>A (NM_001353961.2); c.429G>A (NM_001202435.1).
Identifiers: ClinVar variation 378506 (VCV000378506.50), dbSNP rs1050330603, ClinGen allele CA16603959.